The following is an entry in ClinVar:

ClinVar aggregate classification (germline): Uncertain significance (1 of 4 stars; one submission).

Submission:

GeneDx
Classification: Uncertain significance. Last evaluated: 2025-06-06. Review status: criteria provided, single submitter. Criteria: GeneDx Variant Classification Process June 2021. Collection method: clinical testing. Allele origin: germline. Affected: yes.
Comment: Not observed at significant frequency in large population cohorts (gnomAD); In silico analysis supports that this missense variant has a deleterious effect on protein structure/function; Has not been previously published as pathogenic or benign to our knowledge

NM_000612.6(IGF2):c.466C>A (p.Arg156Ser)

Genes: IGF2 (insulin like growth factor 2; minus strand), INS-IGF2 (INS-IGF2 readthrough; minus strand). Cytogenetic location: 11p15.5.
Variant type: single nucleotide variant.
Coding change: c.466C>A on transcript NM_000612.6 (MANE Select); coding-DNA position 466, C replaced by A.
Protein change: p.Arg156Ser; replaces arginine 156 with serine.
Molecular consequence: missense variant. On other transcripts: non-coding transcript variant (1).
Genome position (GRCh38, 1-based): chr11:2,133,064, G>T on the plus strand (C>A on the coding strand, the complement: IGF2 is on the minus strand). VCF-style: chr11-2133064-G-T. GRCh37 (hg19) VCF-style: chr11-2154294-G-T.
Other names: c.466C>A, p.Arg156Ser (NM_001007139.6, NM_001291861.3, NM_001291862.3); c.634C>A, p.Arg212Ser (NM_001127598.3); short protein forms R156S, R212S.
Identifiers: ClinVar variation 4536470 (VCV004536470.1).